The following is an entry in ClinVar:

ClinVar aggregate classification (germline): Uncertain significance. Review status: criteria provided, multiple submitters, no conflicts (2 of 4 stars). 3 submissions from 3 submitters: Uncertain significance (3). Last evaluated 2026-06-29.

Conditions:
Inborn genetic diseases. Identifiers: MedGen C0950123, MeSH D030342.
Cardiac malformation, cleft lip/palate, microcephaly, and digital anomalies. Also called: CLEFT PALATE, CARDIAC DEFECTS, AND IMPAIRED INTELLECTUAL DEVELOPMENT. Identifiers: MedGen C1832950, MONDO:0010970, OMIM 600987.

Allele frequency attached by ClinVar (database versions not stated): gnomAD exomes 0.00003; TOPMed 0.00001; gnomAD 0.00001.
gnomAD v4.1: 50 of 1,613,984 alleles (0.0031%); highest among the groups gnomAD compares: Non-Finnish European, 0.0042%; no homozygotes.

Submissions (3):

Ambry Genetics
Classification: Uncertain significance for Inborn genetic diseases. Last evaluated: 2026-06-29. Review status: criteria provided, single submitter. Criteria: Ambry Variant Classification Scheme 2023. Collection method: clinical testing. Allele origin: germline.

Labcorp Genetics (formerly Invitae), Labcorp
Classification: Uncertain significance for Cardiac malformation, cleft lip/palate, microcephaly, and digital anomalies. Last evaluated: 2020-11-18. Review status: criteria provided, single submitter. Criteria: Invitae Variant Classification Sherloc (09022015). Collection method: clinical testing. Allele origin: germline.
Comment: In summary, the available evidence is currently insufficient to determine the role of this variant in disease. Therefore, it has been classified as a Variant of Uncertain Significance. Algorithms developed to predict the effect of missense changes on protein structure and function are either unavailable or do not agree on the potential impact of this missense change (SIFT: "Tolerated"; PolyPhen-2: "Possibly Damaging"; Align-GVGD: "Class C0"). This variant has not been reported in the literature in individuals with MEIS2-related conditions. This variant is not present in population databases (ExAC no frequency). This sequence change replaces aspartic acid with asparagine at codon 169 of the MEIS2 protein (p.Asp169Asn). The aspartic acid residue is highly conserved and there is a small physicochemical difference between aspartic acid and asparagine.

Victorian Clinical Genetics Services, Murdoch Childrens Research Institute
Classification: Uncertain significance for Cardiac malformation, cleft lip/palate, microcephaly, and digital anomalies. Last evaluated: 2020-05-25. Review status: criteria provided, single submitter. Criteria: ACMG Guidelines, 2015. Collection method: clinical testing. Allele origin: germline. Inheritance: Autosomal dominant inheritance. Affected: yes.
Comment: Based on the classification scheme VCGS_Germline_v1.1.1, this variant is classified as VUS – 3A. Following criteria are met: 0102 - Loss-of-function is a known mechanism of disease for this gene. (N) 0107 - This gene is known to be associated with autosomal dominant disease. (N) 0200 - Variant is predicted to result in a missense amino acid change from aspartic acid to asparagine (exon 6). (N) 0251 - Variant is heterozygous. (N) 0302 - Variant is present in gnomAD <0.001 for a dominant condition (1 heterozygote, 0 homozygotes). (P) 0502 - Missense variant with conflicting in silico predictions and uninformative conservation. (N) 0603 - Missense variant in a region that is highly intolerant to missense variation (high constraint region). (P) 0705 - No comparable variants have previous evidence for pathogenicity. (N) 0807 - Variant has not previously been reported in a clinical context. (N) 0905 - No segregation evidence has been identified for this variant. (N) 1007 - No published functional evidence has been identified for this variant. (N) 1208 - Inheritance information for this variant is not currently available. (N) Legend: (P) - Pathogenic, (N) - Neutral, (B) - Benign

NM_170675.5(MEIS2):c.505G>A (p.Asp169Asn)

Gene: MEIS2 (Meis homeobox 2; minus strand). Cytogenetic location: 15q14.
Variant type: single nucleotide variant.
Coding change: c.505G>A on transcript NM_170675.5 (MANE Select); coding-DNA position 505, G replaced by A.
Protein change: p.Asp169Asn; replaces aspartic acid 169 with asparagine.
Molecular consequence: missense variant. On other transcripts: non-coding transcript variant (1).
Genome position (GRCh38, 1-based): chr15:37,093,715, C>T on the plus strand (G>A on the coding strand, the complement: MEIS2 is on the minus strand). VCF-style: chr15-37093715-C-T. GRCh37 (hg19) VCF-style: chr15-37385916-C-T.
Other names: c.505G>A, p.Asp169Asn (NM_001220482.2, NM_170674.5, NM_170676.5 and 1 more transcripts); c.466G>A, p.Asp156Asn (NM_002399.4, NM_172315.3); c.241G>A, p.Asp81Asn (NM_172316.3); c.505G>A (NM_170675.3); short protein forms D156N, D169N, D81N.
Identifiers: ClinVar variation 1434891 (VCV001434891.10), dbSNP rs1039511168, ClinGen allele CA269147913.
Genomic context (GRCh38, chr15:37,093,715, plus strand): 5'-TGACGAGGTCGATGGGCATTTTCCCCTTCAAACAGCTAATGTATCGGTGGCAGAAGTTAT[C>T]GCACAGTTCGTGGACCTAGAACGAAGGTCATGGTGGAGGGTTTAGCTCATGTTGTTGTTG-3'
Protein context (NP_733775.1, residues 159-179): LELEKVHELC[Asp169Asn]NFCHRYISCL